The following is an entry in ClinVar:

ClinVar aggregate classification (germline): Uncertain significance (1 of 4 stars; one submission).

gnomAD v4.1: 5 of 1,613,834 alleles (0.00031%); highest among the groups gnomAD compares: Non-Finnish European, 0.00042%; no homozygotes.

Submission:

GeneDx
Classification: Uncertain significance. Last evaluated: 2013-01-31. Review status: criteria provided, single submitter. Criteria: GeneDx Variant Classification (06012015). Collection method: clinical testing. Allele origin: germline. Affected: yes.
Comment: Missense variants in the TTN gene are considered 'unclassified' if they are not previously reported in the literature and do not have >1% frequency in the population to be considered a polymorphism. Research indicates that truncating mutations in the TTN gene are expected to account for approximately 25% of familial and 18% of sporadic idiopathic DCM; however, truncating variants in the TTN gene have been reported in approximately 3% of reported control alleles. There has been little investigation into non-truncating variants. (Herman D et al. Truncations of titin causing dilated cardiomyopathy. N Eng J Med 366:619-628, 2012) The variant is found in DCM panel(s).

NM_001267550.2(TTN):c.102853C>G (p.Pro34285Ala)

Genes: TTN-AS1 (TTN antisense RNA 1; plus strand), TTN (titin; minus strand). Cytogenetic location: 2q31.2.
Variant type: single nucleotide variant.
Coding change: c.102853C>G on transcript NM_001267550.2 (MANE Select); coding-DNA position 102853, C replaced by G.
Protein change: p.Pro34285Ala; replaces proline 34285 with alanine.
Molecular consequence: missense variant.
Genome position (GRCh38, 1-based): chr2:178,533,762, G>C on the plus strand (C>G on the coding strand, the complement: TTN is on the minus strand). VCF-style: chr2-178533762-G-C. GRCh37 (hg19) VCF-style: chr2-179398489-G-C.
Other names: p.P32644A:CCA>GCA; c.97930C>G, p.Pro32644Ala (NM_001256850.1); c.75658C>G, p.Pro25220Ala (NM_003319.4); c.95149C>G, p.Pro31717Ala (NM_133378.4); c.76033C>G, p.Pro25345Ala (NM_133432.3); c.76234C>G, p.Pro25412Ala (NM_133437.4); short protein forms P32644A, P34285A, P25220A, P25345A, P25412A, P31717A.
Identifiers: ClinVar variation 203070 (VCV000203070.2), dbSNP rs794729563, ClinGen allele CA311148.